The following is an entry in ClinVar:

NM_004991.4(MECOM):c.2881T>C (p.Ser961Pro)

Gene: MECOM (MDS1 and EVI1 complex locus; minus strand). Cytogenetic location: 3q26.2.
Variant type: single nucleotide variant.
Coding change: c.2881T>C on transcript NM_004991.4 (MANE Select); coding-DNA position 2881, T replaced by C.
Protein change: p.Ser961Pro; replaces serine 961 with proline.
Molecular consequence: missense variant.
Genome position (GRCh38, 1-based): chr3:169,095,214, A>G on the plus strand (T>C on the coding strand, the complement: MECOM is on the minus strand). VCF-style: chr3-169095214-A-G. GRCh37 (hg19) VCF-style: chr3-168813002-A-G.
Other names: c.2512T>C, p.Ser838Pro (NM_001105077.4); c.2317T>C, p.Ser773Pro (NM_001105078.4, NM_001205194.2, NM_001366469.2 and 1 more transcripts); c.2293T>C, p.Ser765Pro (NM_001163999.2, NM_001366470.2); c.2290T>C, p.Ser764Pro (NM_001164000.2, NM_001366471.2, NM_001366472.2); c.2854T>C, p.Ser952Pro (NM_001366466.2); c.2320T>C, p.Ser774Pro (NM_001366467.2, NM_001366468.2); c.1882T>C, p.Ser628Pro (NM_001366473.2); c.1318T>C, p.Ser440Pro (NM_001366474.2); short protein forms S440P, S628P, S764P, S765P, S773P, S774P, S838P, S952P.
Identifiers: ClinVar variation 2663276 (VCV002663276.2), dbSNP rs2549200250, ClinGen allele CA355074373.
Genomic context (GRCh38, chr3:169,095,214, plus strand): 5'-GACACTTAAATGGCTTCTCTTTATTGTGGATGTTGCGAACATGCCTTTGCAAGTTAGAAG[A>G]TATGCTAAATGATCTGTCACAGTATTTGCATCTGAAAAATAAACAAAGAGAAAATATTAG-3'
Protein context (NP_004982.2, residues 951-971): CKYCDRSFSI[Ser961Pro]SNLQRHVRNI

ClinVar aggregate classification (germline): Uncertain significance. Review status: criteria provided, multiple submitters, no conflicts (2 of 4 stars). 2 submissions from 2 submitters: Uncertain significance (2). Last evaluated 2025-04-27.

Submissions (2):

Labcorp Genetics (formerly Invitae), Labcorp
Classification: Uncertain significance. Last evaluated: 2025-04-27. Review status: criteria provided, single submitter. Criteria: Invitae Variant Classification Sherloc (09022015). Collection method: clinical testing. Allele origin: germline.
Comment: This sequence change replaces serine, which is neutral and polar, with proline, which is neutral and non-polar, at codon 773 of the MECOM protein (p.Ser773Pro). This variant is not present in population databases (gnomAD no frequency). This variant has not been reported in the literature in individuals affected with MECOM-related conditions. ClinVar contains an entry for this variant (Variation ID: 2663276). An algorithm developed to predict the effect of missense changes on protein structure and function (PolyPhen-2) suggests that this variant is likely to be disruptive. In summary, the available evidence is currently insufficient to determine the role of this variant in disease. Therefore, it has been classified as a Variant of Uncertain Significance.

GeneDx
Classification: Uncertain significance. Last evaluated: 2023-10-17. Review status: criteria provided, single submitter. Criteria: GeneDx Variant Classification Process June 2021. Collection method: clinical testing. Allele origin: germline. Affected: yes.
Comment: Not observed at significant frequency in large population cohorts (gnomAD); In silico analysis supports that this missense variant has a deleterious effect on protein structure/function; Has not been previously published as pathogenic or benign to our knowledge